The following is an entry in ClinVar:

ClinVar aggregate classification (germline): Uncertain significance (1 of 4 stars; one submission).

Conditions:
Tuberous sclerosis 1 (TSC1). Identifiers: Orphanet 805, MedGen C1854465, MONDO:0008612, OMIM 191100.

Submission:

Labcorp Genetics (formerly Invitae), Labcorp
Classification: Uncertain significance for Tuberous sclerosis 1. Last evaluated: 2023-09-25. Review status: criteria provided, single submitter. Criteria: Invitae Variant Classification Sherloc (09022015). Collection method: clinical testing. Allele origin: germline.
Comment: In summary, the available evidence is currently insufficient to determine the role of this variant in disease. Therefore, it has been classified as a Variant of Uncertain Significance. Advanced modeling of protein sequence and biophysical properties (such as structural, functional, and spatial information, amino acid conservation, physicochemical variation, residue mobility, and thermodynamic stability) performed at Invitae indicates that this missense variant is not expected to disrupt TSC1 protein function. This variant has not been reported in the literature in individuals affected with TSC1-related conditions. This variant is not present in population databases (gnomAD no frequency). This sequence change replaces serine, which is neutral and polar, with isoleucine, which is neutral and non-polar, at codon 348 of the TSC1 protein (p.Ser348Ile).

NM_000368.5(TSC1):c.1043G>T (p.Ser348Ile)

Gene: TSC1 (TSC complex subunit 1; minus strand). Cytogenetic location: 9q34.13.
Variant type: single nucleotide variant.
Coding change: c.1043G>T on transcript NM_000368.5 (MANE Select); coding-DNA position 1043, G replaced by T.
Protein change: p.Ser348Ile; replaces serine 348 with isoleucine.
Molecular consequence: missense variant. On other transcripts: 5 prime UTR variant (2), non-coding transcript variant (5).
Genome position (GRCh38, 1-based): chr9:132,911,100, C>A on the plus strand (G>T on the coding strand, the complement: TSC1 is on the minus strand). VCF-style: chr9-132911100-C-A. GRCh37 (hg19) VCF-style: chr9-135786487-C-A.
Other names: c.680G>T, p.Ser227Ile (NM_001406625.1, NM_001406615.1, NM_001406616.1 and 10 more transcripts); c.92G>T, p.Ser31Ile (NM_001406626.1, NM_001406627.1, NM_001406628.1); c.-8G>T (NM_001406629.1, NM_001406630.1); c.1043G>T, p.Ser348Ile (NM_001162426.2, NM_001406592.1, NM_001406593.1 and 16 more transcripts); c.890G>T, p.Ser297Ile (NM_001162427.2, NM_001406610.1, NM_001406611.1 and 2 more transcripts); short protein forms S227I, S348I, S31I, S297I.
Identifiers: ClinVar variation 2763193 (VCV002763193.3), dbSNP rs2131964225, ClinGen allele CA375367852.